The following is an entry in ClinVar:

NM_004946.3(DOCK2):c.997A>C (p.Ile333Leu)

Gene: DOCK2 (dedicator of cytokinesis 2; plus strand). Cytogenetic location: 5q35.1.
Variant type: single nucleotide variant.
Coding change: c.997A>C on transcript NM_004946.3 (MANE Select); coding-DNA position 997, A replaced by C.
Protein change: p.Ile333Leu; replaces isoleucine 333 with leucine.
Molecular consequence: missense variant. On other transcripts: non-coding transcript variant (1).
Genome position (GRCh38, 1-based): chr5:169,698,391, A>C. VCF-style: chr5-169698391-A-C. GRCh37 (hg19) VCF-style: chr5-169125395-A-C.
Other names: short protein forms I333L.
Identifiers: ClinVar variation 1487113 (VCV001487113.8), dbSNP rs771697756, ClinGen allele CA362105063.

ClinVar aggregate classification (germline): Uncertain significance (1 of 4 stars; one submission).

Conditions:
DOCK2 deficiency. Also called: Immunodeficiency 40. Identifiers: Orphanet 447737, MedGen C4225328, MONDO:0014637, OMIM 616433.

Submission:

Labcorp Genetics (formerly Invitae), Labcorp
Classification: Uncertain significance for DOCK2 deficiency. Last evaluated: 2021-02-18. Review status: criteria provided, single submitter. Criteria: Invitae Variant Classification Sherloc (09022015). Collection method: clinical testing. Allele origin: germline.
Comment: This sequence change replaces isoleucine with leucine at codon 333 of the DOCK2 protein (p.Ile333Leu). The isoleucine residue is moderately conserved and there is a small physicochemical difference between isoleucine and leucine. In summary, the available evidence is currently insufficient to determine the role of this variant in disease. Therefore, it has been classified as a Variant of Uncertain Significance. Algorithms developed to predict the effect of missense changes on protein structure and function (SIFT, PolyPhen-2, Align-GVGD) all suggest that this variant is likely to be tolerated, but these predictions have not been confirmed by published functional studies and their clinical significance is uncertain. This variant has not been reported in the literature in individuals with DOCK2-related conditions. This variant is not present in population databases (ExAC no frequency).